The following is an entry in ClinVar:

ClinVar aggregate classification (germline): Likely benign (1 of 4 stars; one submission).

Allele frequency attached by ClinVar (database versions not stated): TOPMed below 0.00001; gnomAD 0.00001; ExAC 0.00002; 1000 Genomes Project 0.00020; 1000 Genomes Project 30x 0.00031.
gnomAD v4.1: 22 of 1,614,226 alleles (0.0014%); highest among the groups gnomAD compares: South Asian, 0.0077%; no homozygotes.

Submission:

CeGaT Center for Human Genetics Tuebingen
Classification: Likely benign. Last evaluated: 2024-02-01. Review status: criteria provided, single submitter. Criteria: CeGaT Center For Human Genetics Tuebingen Variant Classification Criteria Version 2. Collection method: clinical testing. Allele origin: germline. Affected: yes. Observed: 1 variant allele.
Comment: ODC1: BP4

NM_002539.3(ODC1):c.1106G>A (p.Arg369His)

Gene: ODC1 (ornithine decarboxylase 1; minus strand). Cytogenetic location: 2p25.1.
Variant type: single nucleotide variant.
Coding change: c.1106G>A on transcript NM_002539.3 (MANE Select); coding-DNA position 1106, G replaced by A.
Protein change: p.Arg369His; replaces arginine 369 with histidine.
Molecular consequence: missense variant.
Genome position (GRCh38, 1-based): chr2:10,441,644, C>T on the plus strand (G>A on the coding strand, the complement: ODC1 is on the minus strand). VCF-style: chr2-10441644-C-T. GRCh37 (hg19) VCF-style: chr2-10581770-C-T.
Other names: c.719G>A, p.Arg240His (NM_001287188.2); c.1106G>A, p.Arg369His (NM_001287189.2, NM_001287190.2); short protein forms R240H, R369H.
Identifiers: ClinVar variation 3025170 (VCV003025170.22), dbSNP rs573416709, ClinGen allele CA1526766.